The following is an entry in ClinVar:

ClinVar aggregate classification (germline): Uncertain significance (1 of 4 stars; one submission).

Submission:

GeneDx
Classification: Uncertain significance. Last evaluated: 2022-06-23. Review status: criteria provided, single submitter. Criteria: GeneDx Variant Classification Process June 2021. Collection method: clinical testing. Allele origin: germline. Affected: yes.
Comment: Not observed at significant frequency in large population cohorts (gnomAD); In silico analysis supports that this missense variant does not alter protein structure/function; Has not been previously published as pathogenic or benign to our knowledge

NM_001145358.2(SIN3A):c.3459G>T (p.Lys1153Asn)

Gene: SIN3A (SIN3 transcription regulator family member A; minus strand). Cytogenetic location: 15q24.2.
Variant type: single nucleotide variant.
Coding change: c.3459G>T on transcript NM_001145358.2 (MANE Select); coding-DNA position 3459, G replaced by T.
Protein change: p.Lys1153Asn; replaces lysine 1153 with asparagine.
Molecular consequence: missense variant.
Genome position (GRCh38, 1-based): chr15:75,375,797, C>A on the plus strand (G>T on the coding strand, the complement: SIN3A is on the minus strand). VCF-style: chr15-75375797-C-A. GRCh37 (hg19) VCF-style: chr15-75668138-C-A.
Other names: c.3459G>T, p.Lys1153Asn (NM_001145357.2, NM_015477.3); short protein forms K1153N.
Identifiers: ClinVar variation 1806681 (VCV001806681.1), dbSNP rs2542997421, ClinGen allele CA393485834.